The following is an entry in ClinVar:

NM_005748.6(YAF2):c.152+1701G>A

Gene: YAF2 (YY1 associated factor 2; minus strand). Cytogenetic location: 12q12.
Variant type: single nucleotide variant.
Coding change: c.152+1701G>A on transcript NM_005748.6 (MANE Select); 1701 bases into the intron after coding-DNA position 152, G replaced by A.
Molecular consequence: intron variant. On other transcripts: synonymous variant (1).
Genome position (GRCh38, 1-based): chr12:42,235,898, C>T on the plus strand (G>A on the coding strand, the complement: YAF2 is on the minus strand). VCF-style: chr12-42235898-C-T. GRCh37 (hg19) VCF-style: chr12-42629700-C-T.
Other names: c.252G>A, p.Glu84= (NM_001190980.3); c.26+2257G>A (NM_001190977.3); c.25+1701G>A (NM_001320080.2); c.152+1701G>A (NM_001190979.3).
Identifiers: ClinVar variation 2642901 (VCV002642901.24), dbSNP rs529702417, ClinGen allele CA6518660.

ClinVar aggregate classification (germline): Likely benign (1 of 4 stars; one submission).

Allele frequency attached by ClinVar (database versions not stated): 1000 Genomes Project 0.00020; 1000 Genomes Project 30x 0.00031; gnomAD exomes 0.00038; TOPMed 0.00040; gnomAD 0.00042; ExAC 0.00146.
gnomAD v4.1: 604 of 1,536,116 alleles (0.039%); highest among the groups gnomAD compares: South Asian, 0.08%; 2 homozygotes.

Submission:

CeGaT Center for Human Genetics Tuebingen
Classification: Likely benign. Last evaluated: 2023-04-01. Review status: criteria provided, single submitter. Criteria: CeGaT Center For Human Genetics Tuebingen Variant Classification Criteria Version 2. Collection method: clinical testing. Allele origin: germline. Affected: yes. Observed: 1 variant allele.
Comment: YAF2: BP4, BP7